The following is an entry in ClinVar:

ClinVar aggregate classification (germline): Uncertain significance (1 of 4 stars; one submission).

Conditions:
Neuropathy, hereditary sensory and autonomic, type 2A (HSAN2A). Also called: ACROOSTEOLYSIS, GIACCAI TYPE; ACROOSTEOLYSIS, NEUROGENIC; MORVAN DISEASE; NEUROPATHY, CONGENITAL SENSORY; NEUROPATHY, HEREDITARY SENSORY RADICULAR, AUTOSOMAL RECESSIVE; NEUROPATHY, HEREDITARY SENSORY, TYPE IIA. Identifiers: Orphanet 970, MedGen C2752089, MONDO:0024309, OMIM 201300.
Pseudohypoaldosteronism type 2C (PHA2C). Also called: Pseudohypoaldosteronism Type IIC. Identifiers: Orphanet 757, Orphanet 88940, MedGen C1840391, MONDO:0013778, OMIM 614492.

gnomAD v4.1: 1 of 1,613,826 alleles (0.000062%); highest among the groups gnomAD compares: African/African-American, 0.0013%; no homozygotes.

Submission:

Labcorp Genetics (formerly Invitae), Labcorp
Classification: Uncertain significance for Neuropathy, hereditary sensory and autonomic, type 2A; Pseudohypoaldosteronism type 2C. Last evaluated: 2025-10-08. Review status: criteria provided, single submitter. Criteria: Invitae Variant Classification Sherloc (09022015). Collection method: clinical testing. Allele origin: germline.
Comment: This sequence change replaces serine, which is neutral and polar, with arginine, which is basic and polar, at codon 868 of the WNK1 protein (p.Ser868Arg). This variant is not present in population databases (gnomAD no frequency). This variant has not been reported in the literature in individuals affected with WNK1-related conditions. Invitae Evidence Modeling of protein sequence and biophysical properties (such as structural, functional, and spatial information, amino acid conservation, physicochemical variation, residue mobility, and thermodynamic stability) indicates that this missense variant is not expected to disrupt WNK1 protein function with a negative predictive value of 95%. In summary, the available evidence is currently insufficient to determine the role of this variant in disease. Therefore, it has been classified as a Variant of Uncertain Significance.

NM_213655.5(WNK1):c.2604T>G (p.Ser868Arg)

Gene: WNK1 (WNK lysine deficient protein kinase 1; plus strand). Cytogenetic location: 12p13.33.
Variant type: single nucleotide variant.
Coding change: c.2604T>G on transcript NM_213655.5 (MANE Plus Clinical); coding-DNA position 2604, T replaced by G.
Protein change: p.Ser868Arg; replaces serine 868 with arginine.
Molecular consequence: missense variant. On other transcripts: intron variant (2).
Genome position (GRCh38, 1-based): chr12:868,075, T>G. VCF-style: chr12-868075-T-G. GRCh37 (hg19) VCF-style: chr12-977241-T-G.
Other names: c.2349T>G, p.Ser783Arg (NM_001184985.2); c.2140-3190T>G (NM_018979.4, NM_014823.3); short protein forms S868R, S783R.
Identifiers: ClinVar variation 4791404 (VCV004791404.1).
Genomic context (GRCh38, chr12:868,075, plus strand): 5'-CTCCTTCCTGGAAGCCCAAACTCACCACTTCCAACCCCTGCTGAGGACTGTTGGCCAAAG[T>G]CTTCTTCCACCTGGTGGCAGCCCAACTAACTGGACACCAGAGGCCGTAGTTATGTTGGGT-3'
Protein context (NP_998820.3, residues 858-878): FQPLLRTVGQ[Ser868Arg]LLPPGGSPTN